The following is an entry in ClinVar:

ClinVar aggregate classification (germline): Likely pathogenic (1 of 4 stars; one submission).

Submission:

Labcorp Genetics (formerly Invitae), Labcorp
Classification: Likely pathogenic. Last evaluated: 2023-05-15. Review status: criteria provided, single submitter. Criteria: Invitae Variant Classification Sherloc (09022015). Collection method: clinical testing. Allele origin: germline.
Comment: In summary, the currently available evidence indicates that the variant is pathogenic, but additional data are needed to prove that conclusively. Therefore, this variant has been classified as Likely Pathogenic. Algorithms developed to predict the effect of sequence changes on RNA splicing suggest that this variant may disrupt the consensus splice site. ClinVar contains an entry for this variant (Variation ID: 1015252). This variant has not been reported in the literature in individuals affected with CTNNA1-related conditions. This variant is not present in population databases (gnomAD no frequency). This sequence change affects an acceptor splice site in intron 14 of the CTNNA1 gene. It is expected to disrupt RNA splicing. Variants that disrupt the donor or acceptor splice site typically lead to a loss of protein function (PMID: 16199547), and loss-of-function variants in CTNNA1 are known to be pathogenic (PMID: 32051609, 34425242).

Literature cited by the submitters: PubMed 16199547; PubMed 32051609; PubMed 34425242.

NM_001903.5(CTNNA1):c.2011-1G>A

Gene: CTNNA1 (catenin alpha 1; plus strand). Cytogenetic location: 5q31.2.
Variant type: single nucleotide variant.
Coding change: c.2011-1G>A on transcript NM_001903.5 (MANE Select); the canonical splice acceptor site of the intron before coding-DNA position 2011, G replaced by A.
Molecular consequence: splice acceptor variant.
Genome position (GRCh38, 1-based): chr5:138,930,472, G>A. VCF-style: chr5-138930472-G-A. GRCh37 (hg19) VCF-style: chr5-138266161-G-A.
Other names: c.2011-1G>A (NM_001323982.2, NM_001323984.2, NM_001290307.3 and 2 more transcripts); c.1918-1G>A (NM_001323986.2); c.1642-1G>A (NM_001290310.3); c.1702-1G>A (NM_001290309.3); c.901-1G>A (NM_001323996.1, NM_001323993.1, NM_001324005.1 and 17 more transcripts); c.562-1G>A (NM_001324007.1, NM_001324009.1, NM_001324006.1 and 2 more transcripts); c.658-1G>A (NM_001324013.1, NM_001324012.1); c.808-1G>A (NM_001324011.1).
Identifiers: ClinVar variation 1015252 (VCV001015252.7), dbSNP rs1765076805, ClinGen allele CA361133287.